The following is an entry in ClinVar:

ClinVar aggregate classification (germline): Pathogenic (1 of 4 stars; one submission).

Conditions:
PAX2-Related Disorder. Also called: PAX2-related disorders. Identifiers: MedGen CN381309.

Submission:

PreventionGenetics, part of Exact Sciences
Classification: Pathogenic for PAX2-related condition. Last evaluated: 2025-04-02. Review status: criteria provided, single submitter. Criteria: ACMG Guidelines, 2015. Collection method: clinical testing. Allele origin: germline.
Comment: The PAX2 c.218_223delinsTTC variant is predicted to result in an in-frame deletion and insertion. To our knowledge, this variant has not been reported in the literature or in a large population database (gnomAD), indicating this variant is rare. Of note, the codons of the exon where this variant is located at are highly conserved and this substitution occurs at the paired domain (PD), which is critical for the protein function; and missense variants at the flanking codons have been reported in individuals with PAX2-related disorders (see for example, p.Tyr72Ser as de novo in Nagano et al. 2020. PubMed ID: 31937884; p.Arg71Gly in Hwang et al. 2014. PubMed ID: 24429398; p.Gly76Ser as de novo in Gao et al. 2023. PubMed ID: 36685964). This variant is interpreted as pathogenic.

NM_000278.5(PAX2):c.218_223delinsTTC (p.Tyr73_Thr75delinsPhePro)

Gene: PAX2 (paired box 2; plus strand). Cytogenetic location: 10q24.31.
Variant type: Indel.
Coding change: c.218_223delinsTTC on transcript NM_000278.5 (MANE Select); coding-DNA positions 218 to 223, ACGAGA replaced by TTC.
Protein change: p.Tyr73_Thr75delinsPhePro.
Molecular consequence: inframe indel.
Genome position (GRCh38, 1-based): chr10:100,750,699-100,750,704, ACGAGA replaced by TTC. VCF-style: chr10-100750699-ACGAGA-TTC. GRCh37 (hg19) VCF-style: chr10-102510456-ACGAGA-TTC.
Other names: c.311_316delinsTTC, p.Tyr104_Thr106delinsPhePro (NM_001304569.2); c.218_223delinsTTC, p.Tyr73_Thr75delinsPhePro (NM_003987.5, NM_003988.5, NM_003989.5 and 1 more transcripts).
Identifiers: ClinVar variation 5002073 (VCV005002073.1).